The following is an entry in ClinVar:

NM_001378964.1(CDON):c.3553A>G (p.Thr1185Ala)

Gene: CDON (cell adhesion associated, oncogene regulated; minus strand). Cytogenetic location: 11q24.2.
Variant type: single nucleotide variant.
Coding change: c.3553A>G on transcript NM_001378964.1 (MANE Select); coding-DNA position 3553, A replaced by G.
Protein change: p.Thr1185Ala; replaces threonine 1185 with alanine.
Molecular consequence: missense variant.
Genome position (GRCh38, 1-based): chr11:125,961,802, T>C on the plus strand (A>G on the coding strand, the complement: CDON is on the minus strand). VCF-style: chr11-125961802-T-C. GRCh37 (hg19) VCF-style: chr11-125831697-T-C.
Other names: c.3553A>G, p.Thr1185Ala (NM_001243597.3, NM_001441161.1, NM_001441162.1 and 5 more transcripts); short protein forms T1185A.
Identifiers: ClinVar variation 4882682 (VCV004882682.2).

ClinVar aggregate classification (germline): Uncertain significance (1 of 4 stars; one submission).

gnomAD v4.1: 1 of 1,614,132 alleles (0.000062%); highest among the groups gnomAD compares: Middle Eastern, 0.016%; no homozygotes.

Submission:

Dasa
Classification: Uncertain significance. Last evaluated: 2025-11-19. Review status: criteria provided, single submitter. Criteria: DASA Assertion Criteria. Collection method: clinical testing. Allele origin: germline.
Comment: NM_001378964.1(CDON):c.3553A>G (p.Thr1185Ala) is a missense variant that results in the substitution of threonine with alanine. This variant is rare in population databases. Computational prediction algorithms are consistent with a benign effect. The currently available literature and clinical evidence are not sufficient to establish a definitive association between this variant and the reported condition. Therefore, this variant is classified as a variant of uncertain significance.